The following is an entry in ClinVar:

NM_000466.3(PEX1):c.607G>T (p.Gly203Ter)

Gene: PEX1 (peroxisomal biogenesis factor 1; minus strand). Cytogenetic location: 7q21.2.
Variant type: single nucleotide variant.
Coding change: c.607G>T on transcript NM_000466.3 (MANE Select); coding-DNA position 607, G replaced by T.
Protein change: p.Gly203Ter; replaces glycine 203 with a stop codon.
Molecular consequence: nonsense. On other transcripts: 5 prime UTR variant (1).
Genome position (GRCh38, 1-based): chr7:92,517,908, C>A on the plus strand (G>T on the coding strand, the complement: PEX1 is on the minus strand). VCF-style: chr7-92517908-C-A. GRCh37 (hg19) VCF-style: chr7-92147222-C-A.
Other names: c.607G>T, p.Gly203Ter (NM_001282677.2); c.-18G>T (NM_001282678.2); short protein forms G203*.
Identifiers: ClinVar variation 1457762 (VCV001457762.6), dbSNP rs1472300213, ClinGen allele CA368200943.
Genomic context (GRCh38, chr7:92,517,908, plus strand): 5'-CAGTATTTGACTGAAGTTGCTTGGTTTGAAGTTCTTTCATCATTCCTTTCTGGTCTCTTC[C>A]ATAACTATGAAGTTTTTTATATTCAGCATCAGCTTTTGAAAATGTATTCTCTTTGGCTCG-3'

ClinVar aggregate classification (germline): Pathogenic (1 of 4 stars; one submission).

Conditions:
Zellweger spectrum disorders (ZS). Also called: Zellweger syndrome; Zellweger Spectrum Disorder; Zellweger Spectrum; Zellweger Spectrum Disorder (ZSD). Identifiers: Orphanet 912, MedGen C0043459, MONDO:0019609.

Submission:

Labcorp Genetics (formerly Invitae), Labcorp
Classification: Pathogenic for Zellweger spectrum disorders. Last evaluated: 2021-07-13. Review status: criteria provided, single submitter. Criteria: Invitae Variant Classification Sherloc (09022015). Collection method: clinical testing. Allele origin: germline.
Comment: This sequence change creates a premature translational stop signal (p.Gly203*) in the PEX1 gene. It is expected to result in an absent or disrupted protein product. Loss-of-function variants in PEX1 are known to be pathogenic (PMID: 9398847, 16086329, 16141001, 21031596, 26387595, 31831025). This variant is not present in population databases (ExAC no frequency). This variant has not been reported in the literature in individuals affected with PEX1-related conditions. For these reasons, this variant has been classified as Pathogenic.

Literature cited by the submitters: PubMed 9398847; PubMed 16086329; PubMed 16141001; PubMed 21031596; PubMed 26387595; PubMed 31831025.